The following is an entry in ClinVar:

NM_001164496.2(CFAP44):c.3176G>A (p.Arg1059Gln)

Genes: CFAP44 (cilia and flagella associated protein 44; minus strand), SPICE1-CFAP44 (SPICE1-CFAP44 readthrough (NMD candidate); minus strand). Cytogenetic location: 3q13.2.
Variant type: single nucleotide variant.
Coding change: c.3176G>A on transcript NM_001164496.2 (MANE Select); coding-DNA position 3176, G replaced by A.
Protein change: p.Arg1059Gln; replaces arginine 1059 with glutamine.
Molecular consequence: missense variant.
Genome position (GRCh38, 1-based): chr3:113,344,602, C>T on the plus strand (G>A on the coding strand, the complement: CFAP44 is on the minus strand). VCF-style: chr3-113344602-C-T. GRCh37 (hg19) VCF-style: chr3-113063449-C-T.
Other names: short protein forms R1059Q.
Identifiers: ClinVar variation 767924 (VCV000767924.6), dbSNP rs116266837, ClinGen allele CA2543749.

ClinVar aggregate classification (germline): Benign. Review status: criteria provided, multiple submitters, no conflicts (2 of 4 stars). 3 submissions from 3 submitters: Benign (2). 1 of the submissions does not count toward it. Last evaluated 2019-12-31.

Conditions:
CFAP44-related disorder. Also called: CFAP44-related condition.

Allele frequency attached by ClinVar (database versions not stated): gnomAD exomes 0.00089 and 0.00195; ExAC 0.00299; gnomAD 0.00897 and 0.00969; 1000 Genomes Project 30x 0.00937; 1000 Genomes Project 0.00958; ESP Exome Variant Server 0.00986; TOPMed 0.01008.
gnomAD v4.1: 2,638 of 1,537,036 alleles (0.17%); highest among the groups gnomAD compares: African/African-American, 3.2%; 31 homozygotes.

Submissions (3):

Labcorp Genetics (formerly Invitae), Labcorp
Classification: Benign. Last evaluated: 2019-12-31. Review status: criteria provided, single submitter. Criteria: Invitae Variant Classification Sherloc (09022015). Collection method: clinical testing. Allele origin: germline.

Breakthrough Genomics
Classification: Benign. Review status: criteria provided, single submitter. Criteria: ACMG Guidelines, 2015. Collection method: not provided. Allele origin: germline. Inheritance: Autosomal recessive inheritance. Affected: yes.

PreventionGenetics, part of Exact Sciences
Classification: Benign for CFAP44-related condition. Last evaluated: 2024-05-15. Review status: no assertion criteria provided. Collection method: clinical testing. Allele origin: germline. Not counted in ClinVar's aggregate classification.
Comment: This variant is classified as benign based on ACMG/AMP sequence variant interpretation guidelines (Richards et al. 2015 PMID: 25741868, with internal and published modifications).